The following is an entry in ClinVar:

NM_006231.4(POLE):c.968C>T (p.Thr323Ile)

Gene: POLE (DNA polymerase epsilon, catalytic subunit; minus strand). Cytogenetic location: 12q24.33.
Variant type: single nucleotide variant.
Coding change: c.968C>T on transcript NM_006231.4 (MANE Select); coding-DNA position 968, C replaced by T.
Protein change: p.Thr323Ile; replaces threonine 323 with isoleucine.
Molecular consequence: missense variant.
Genome position (GRCh38, 1-based): chr12:132,676,146, G>A on the plus strand (C>T on the coding strand, the complement: POLE is on the minus strand). VCF-style: chr12-132676146-G-A. GRCh37 (hg19) VCF-style: chr12-133252732-G-A.
Other names: c.968C>T (NM_006231.2); short protein forms T323I.
Identifiers: ClinVar variation 405852 (VCV000405852.11), dbSNP rs1060500873, ClinGen allele CA16614026.

ClinVar aggregate classification (germline): Uncertain significance. Review status: criteria provided, multiple submitters, no conflicts (2 of 4 stars). 3 submissions from 3 submitters: Uncertain significance (3). Last evaluated 2025-03-04.

Conditions:
Hereditary cancer-predisposing syndrome. Also called: Hereditary Cancer Syndrome; Hereditary neoplastic syndrome; Neoplastic Syndromes, Hereditary; Tumor predisposition. Identifiers: Orphanet 140162, MedGen C0027672, MeSH D009386, MONDO:0015356.

Allele frequency attached by ClinVar (database versions not stated): gnomAD exomes below 0.00001.

Submissions (3):

Center for Genomic Medicine, Rigshospitalet, Copenhagen University Hospital
Classification: Uncertain significance. Last evaluated: 2025-03-04. Review status: criteria provided, single submitter. Criteria: ACMG Guidelines, 2015. Collection method: clinical testing. Allele origin: germline.

Ambry Genetics
Classification: Uncertain significance for Hereditary cancer-predisposing syndrome. Last evaluated: 2024-07-19. Review status: criteria provided, single submitter. Criteria: Ambry Variant Classification Scheme 2023. Collection method: clinical testing. Allele origin: germline.
Comment: The p.T323I variant (also known as c.968C>T), located in coding exon 10 of the POLE gene, results from a C to T substitution at nucleotide position 968. The threonine at codon 323 is replaced by isoleucine, an amino acid with similar properties. This amino acid position is highly conserved in available vertebrate species. In addition, the in silico prediction for this alteration is inconclusive. Based on the available evidence, the clinical significance of this variant remains unclear.

Labcorp Genetics (formerly Invitae), Labcorp
Classification: Uncertain significance. Last evaluated: 2022-08-22. Review status: criteria provided, single submitter. Criteria: Invitae Variant Classification Sherloc (09022015). Collection method: clinical testing. Allele origin: germline.
Comment: In summary, the available evidence is currently insufficient to determine the role of this variant in disease. Therefore, it has been classified as a Variant of Uncertain Significance. Algorithms developed to predict the effect of missense changes on protein structure and function (SIFT, PolyPhen-2, Align-GVGD) all suggest that this variant is likely to be disruptive. ClinVar contains an entry for this variant (Variation ID: 405852). This variant has not been reported in the literature in individuals affected with POLE-related conditions. The frequency data for this variant in the population databases is considered unreliable, as metrics indicate poor data quality at this position in the gnomAD database. This sequence change replaces threonine, which is neutral and polar, with isoleucine, which is neutral and non-polar, at codon 323 of the POLE protein (p.Thr323Ile).